The following is an entry in ClinVar:

NM_053025.4(MYLK):c.1815T>C (p.Ser605=)

Gene: MYLK (myosin light chain kinase; minus strand). Cytogenetic location: 3q21.1.
Variant type: single nucleotide variant.
Coding change: c.1815T>C on transcript NM_053025.4 (MANE Select); coding-DNA position 1815, T replaced by C.
Protein change: p.Ser605=; no amino-acid change (serine 605 retained).
Molecular consequence: synonymous variant.
Genome position (GRCh38, 1-based): chr3:123,709,883, A>G on the plus strand (T>C on the coding strand, the complement: MYLK is on the minus strand). VCF-style: chr3-123709883-A-G. GRCh37 (hg19) VCF-style: chr3-123428730-A-G.
Other names: c.1287T>C, p.Ser429= (NM_001321309.2); c.1608T>C, p.Ser536= (NM_053026.4, NM_053028.4); c.1815T>C, p.Ser605= (NM_053027.4).
Identifiers: ClinVar variation 2763916 (VCV002763916.3), dbSNP rs2474324270, ClinGen allele CA435304264.

ClinVar aggregate classification (germline): Uncertain significance (1 of 4 stars; one submission).

Conditions:
Aortic aneurysm, familial thoracic 7 (AAT7). Also called: AORTIC DISSECTION, FAMILIAL, WITH OR WITHOUT AORTIC ANEURYSM. Identifiers: MedGen C3151077, MONDO:0013418, OMIM 613780.

Submission:

Labcorp Genetics (formerly Invitae), Labcorp
Classification: Uncertain significance for Aortic aneurysm, familial thoracic 7. Last evaluated: 2023-10-16. Review status: criteria provided, single submitter. Criteria: Invitae Variant Classification Sherloc (09022015). Collection method: clinical testing. Allele origin: germline.
Comment: This sequence change affects codon 605 of the MYLK mRNA. It is a 'silent' change, meaning that it does not change the encoded amino acid sequence of the MYLK protein. This variant is not present in population databases (gnomAD no frequency). This variant has not been reported in the literature in individuals affected with MYLK-related conditions. Algorithms developed to predict the effect of sequence changes on RNA splicing suggest that this variant may create or strengthen a splice site. In summary, the available evidence is currently insufficient to determine the role of this variant in disease. Therefore, it has been classified as a Variant of Uncertain Significance.